The following is an entry in ClinVar:

ClinVar aggregate classification (germline): association (0 of 4 stars; one submission).

Conditions:
Orofacial cleft 13 (OFC13). Identifiers: MedGen C3151222, MONDO:0013466, OMIM 613857.

Submission:

Craniofacial science Laboratory, School of Dental Sciences, universiti sains malaysia
Classification: association for Orofacial cleft 13. Review status: no assertion criteria provided. Collection method: research. Allele origin: unknown. Inheritance: Sporadic. Affected: yes. Observed: 4 variant alleles.
Comment: In NSCL/P subjects, loss of peaks at 141 bp indicated a loss of one allele and are scored as loss of heterozygosity (LOH).

Literature cited by the submitters: PMC 3035709.

GRCh38/hg38 1p33-32.3(chr1:50441439-50959811)x2

Genes: BTF3L4 (basic transcription factor 3 like 4; plus strand), AGBL4 (AGBL carboxypeptidase 4; minus strand), AGBL4-AS1 (AGBL4 antisense RNA 1; plus strand), AGBL4-IT1 (AGBL4 intronic transcript 1; minus strand), BEND5 (BEN domain containing 5; minus strand) and 117 more. Cytogenetic location: 1p33-32.3.
Variant type: copy number loss.
Change: copy number 2 of chr1:50,441,439-50,959,811 (518.4 kb, GRCh38 coordinates, 1-based), cytogenetic band 1p33-32.3.
Identifiers: ClinVar variation 1809606 (VCV001809606.3).